The following is an entry in ClinVar:

ClinVar aggregate classification (germline): Uncertain significance. Review status: criteria provided, multiple submitters, no conflicts (2 of 4 stars). 4 submissions from 3 submitters: Uncertain significance (4). Last evaluated 2026-01-19.

Conditions:
Ocular cystinosis. Also called: Non-Nephropathic (Ocular) Cystinosis; Non-Nephropathic Cystinosis. Identifiers: Orphanet 213, Orphanet 411641, MedGen C2931013, MONDO:0009064, OMIM 219750.
Juvenile nephropathic cystinosis. Also called: Later-Onset (Juvenile) Cystinosis; Intermediate Cystinosis; CYSTINOSIS, LATE-ONSET JUVENILE OR ADOLESCENT NEPHROPATHIC TYPE. Identifiers: Orphanet 213, Orphanet 411634, MedGen C0268626, MONDO:0009066, OMIM 219900.
Nephropathic cystinosis (CTNS). Also called: CYSTINOSIN, DEFECT OF; LYSOSOMAL CYSTINE TRANSPORT PROTEIN, DEFECT OF; Abderhalden Lignac Kaufmann disease; Abderhalden-Kaufmann-Lignac syndrome. Identifiers: Orphanet 213, Orphanet 411629, MedGen C2931187, MONDO:0100151, OMIM 219800.
Inborn genetic diseases. Identifiers: MedGen C0950123, MeSH D030342.

Allele frequency attached by ClinVar (database versions not stated): TOPMed below 0.00001; gnomAD exomes 0.00001; ExAC 0.00002.
gnomAD v4.1: 21 of 1,614,142 alleles (0.0013%); highest among the groups gnomAD compares: Non-Finnish European, 0.0018%; no homozygotes.

Submissions (4):

Labcorp Genetics (formerly Invitae), Labcorp
Classification: Uncertain significance for Inborn genetic diseases; Ocular cystinosis; Juvenile nephropathic cystinosis. Last evaluated: 2026-01-19. Review status: criteria provided, single submitter. Criteria: Invitae Variant Classification Sherloc (09022015). Collection method: clinical testing. Allele origin: germline.
Comment: This sequence change replaces valine, which is neutral and non-polar, with leucine, which is neutral and non-polar, at codon 28 of the CTNS protein (p.Val28Leu). This variant is present in population databases (rs759921102, gnomAD 0.003%). This variant has not been reported in the literature in individuals affected with CTNS-related conditions. ClinVar contains an entry for this variant (Variation ID: 322833). Invitae Evidence Modeling of protein sequence and biophysical properties (such as structural, functional, and spatial information, amino acid conservation, physicochemical variation, residue mobility, and thermodynamic stability) indicates that this missense variant is not expected to disrupt CTNS protein function with a negative predictive value of 80%. In summary, the available evidence is currently insufficient to determine the role of this variant in disease. Therefore, it has been classified as a Variant of Uncertain Significance.

Fulgent Genetics
Classification: Uncertain significance for Ocular cystinosis; Nephropathic cystinosis; Juvenile nephropathic cystinosis. Last evaluated: 2024-02-25. Review status: criteria provided, single submitter. Criteria: ACMG Guidelines, 2015. Collection method: clinical testing. Allele origin: germline.

Illumina Laboratory Services, Illumina
Classification: Uncertain significance for Ocular cystinosis. Last evaluated: 2018-01-13. Review status: criteria provided, single submitter. Criteria: ICSL Variant Classification Criteria 13 December 2019. Collection method: clinical testing. Allele origin: germline.

Illumina Laboratory Services, Illumina
Classification: Uncertain significance for Nephropathic cystinosis. Last evaluated: 2018-01-13. Review status: criteria provided, single submitter. Criteria: ICSL Variant Classification Criteria 13 December 2019. Collection method: clinical testing. Allele origin: germline.

NM_004937.3(CTNS):c.82G>C (p.Val28Leu)

Gene: CTNS (cystinosin, lysosomal cystine transporter; plus strand). Cytogenetic location: 17p13.2.
Variant type: single nucleotide variant.
Coding change: c.82G>C on transcript NM_004937.3 (MANE Select); coding-DNA position 82, G replaced by C.
Protein change: p.Val28Leu; replaces valine 28 with leucine.
Molecular consequence: missense variant. On other transcripts: 5 prime UTR variant (3), intron variant (1).
Genome position (GRCh38, 1-based): chr17:3,647,464, G>C. VCF-style: chr17-3647464-G-C. GRCh37 (hg19) VCF-style: chr17-3550758-G-C.
Other names: c.82G>C, p.Val28Leu (NM_001031681.3, NM_001374492.1); c.-275G>C (NM_001374493.1, NM_001374496.1); c.-360G>C (NM_001374494.1); c.-217+7197G>C (NM_001374495.1); short protein forms V28L.
Identifiers: ClinVar variation 322833 (VCV000322833.15), dbSNP rs759921102, ClinGen allele CA8291550.
Genomic context (GRCh38, chr17:3,647,464, plus strand): 5'-CTGACCCAGTGCCTCATGTCATTGATTTGGGTCCTTCCAGAGTCAAGCGTCAGCCTCACT[G>C]TTCCTCCTGTCGTAAAGCTGGAGAACGGCAGCTCGACCAACGTCAGCCTCACCCTGCGGT-3'
Protein context (NP_004928.2, residues 18-38): EKCESSVSLT[Val28Leu]PPVVKLENGS